The following is an entry in ClinVar:

NM_000091.5(COL4A3):c.362G>T (p.Gly121Val)

Genes: COL4A3 (collagen type IV alpha 3 chain; plus strand), MFF-DT (MFF divergent transcript; minus strand). Cytogenetic location: 2q36.3.
Variant type: single nucleotide variant.
Coding change: c.362G>T on transcript NM_000091.5 (MANE Select); coding-DNA position 362, G replaced by T.
Protein change: p.Gly121Val; replaces glycine 121 with valine.
Molecular consequence: missense variant.
Genome position (GRCh38, 1-based): chr2:227,245,991, G>T. VCF-style: chr2-227245991-G-T. GRCh37 (hg19) VCF-style: chr2-228110707-G-T.
Other names: c.362G>T (NM_000091.4); short protein forms G121V.
Identifiers: ClinVar variation 1360094 (VCV001360094.4), dbSNP rs1230199187, ClinGen allele CA350861686.

ClinVar aggregate classification (germline): Conflicting classifications of pathogenicity. Review status: criteria provided, conflicting classifications (1 of 4 stars). 2 submissions from 2 submitters: Likely pathogenic (1); Uncertain significance (1). Last evaluated 2025-08-22.

Conditions:
Alport syndrome. Also called: Hemorrhagic familial nephritis; Hemorrhagic hereditary nephritis; Congenital hereditary hematuria. Identifiers: Orphanet 63, MedGen C1567741, MONDO:0018965.

Submissions (2):

Natera, Inc.
Classification: Likely pathogenic for Alport syndrome. Last evaluated: 2025-08-22. Review status: criteria provided, single submitter. Criteria: Natera Variant Classification Schema (03/2026). Collection method: clinical testing. Allele origin: germline.
Comment: The c.362G>T variant in COL4A3 is a missense variant predicted to cause substitution of glycine to valine at amino acid 121. This variant is rare in the general population with a frequency below the threshold expected for the associated phenotype(s). This variant is located in a functionally critical region of the protein. Computational prediction algorithms indicate this variant is likely to affect gene or protein function. Given the available evidence, this variant is classified as Likely Pathogenic.

Labcorp Genetics (formerly Invitae), Labcorp
Classification: Uncertain significance. Last evaluated: 2021-08-30. Review status: criteria provided, single submitter. Criteria: Invitae Variant Classification Sherloc (09022015). Collection method: clinical testing. Allele origin: germline.